The following is an entry in ClinVar:

ClinVar aggregate classification (germline): Conflicting classifications of pathogenicity. Review status: criteria provided, conflicting classifications (1 of 4 stars). 3 submissions from 3 submitters: Uncertain significance (2); Likely benign (1). Last evaluated 2026-03-09.

Conditions:
Cardiovascular phenotype. Identifiers: MedGen CN230736.
Hypercholesterolemia, autosomal dominant, type B (FHCL2). Also called: APOB-Related Familial Hypercholesterolemia, Autosomal Dominant; Familial Hypercholesterolemia Type B; APOLIPOPROTEIN B-100, FAMILIAL DEFECTIVE; APOLIPOPROTEIN B-100, FAMILIAL LIGAND-DEFECTIVE; Hyperlipoproteinemia Type IIb; Familial hypercholesterolemia 2. Identifiers: MedGen C1704417, MONDO:0007751, OMIM 144010.
Familial hypobetalipoproteinemia 1. Also called: APOB-Related Familial Hypobetalipoproteinemia; Hypobetalipoproteinemia, normotriglyceridemic; Acanthocytosis with hypobetalipoproteinemia. Identifiers: MedGen C4551990, MONDO:0014252, OMIM 615558.

Allele frequency attached by ClinVar (database versions not stated): gnomAD exomes 0.00001 and 0.00002; TOPMed 0.00001; ExAC 0.00002; gnomAD 0.00002 and 0.00003; 1000 Genomes Project 0.00060; 1000 Genomes Project 30x 0.00078.
gnomAD v4.1: 17 of 1,614,144 alleles (0.0011%); highest among the groups gnomAD compares: Admixed American, 0.023%; 1 homozygote.

Submissions (3):

Ambry Genetics
Classification: Uncertain significance for Cardiovascular phenotype. Last evaluated: 2026-03-09. Review status: criteria provided, single submitter. Criteria: Ambry Variant Classification Scheme 2023. Collection method: clinical testing. Allele origin: germline.
Comment: The p.K1820T variant (also known as c.5459A>C), located in coding exon 26 of the APOB gene, results from an A to C substitution at nucleotide position 5459. The lysine at codon 1820 is replaced by threonine, an amino acid with similar properties. This amino acid position is conserved. In addition, this alteration is predicted to be tolerated by in silico analysis. Based on the available evidence, the clinical significance of this variant remains unclear.

Labcorp Genetics (formerly Invitae), Labcorp
Classification: Likely benign for Familial hypobetalipoproteinemia 1; Hypercholesterolemia, autosomal dominant, type B. Last evaluated: 2024-08-11. Review status: criteria provided, single submitter. Criteria: Invitae Variant Classification Sherloc (09022015). Collection method: clinical testing. Allele origin: germline.

GeneDx
Classification: Uncertain significance. Last evaluated: 2017-02-20. Review status: criteria provided, single submitter. Criteria: GeneDx Variant Classification (06012015). Collection method: clinical testing. Allele origin: germline. Affected: yes.
Comment: The K1820T variant of uncertain significance in the APOB gene has not been published as pathogenic or benign to our knowledge. This variant is not observed at a significant frequency in large population cohorts (Lek et al., 2016; 1000 Genomes Consortium et al., 2015; Exome Variant Server). In addition, in silico analysis predicts K1820T is probably damaging to the protein structure/function. The K1820T variant is a semi-conservative amino acid substitution, which may impact secondary protein structure as these residues differ in some properties. This substitution also occurs at a position that is conserved in mammals; however, T1820 is tolerated in at least one species. Furthermore, no missense variants in nearby residues have been reported in the Human Gene Mutation Database in association with hypercholesterolemia (Stenson et al., 2014). Therefore, based on the currently available information, it is unclear whether this variant is pathogenic or rare benign.

NM_000384.3(APOB):c.5459A>C (p.Lys1820Thr)

Gene: APOB (apolipoprotein B; minus strand). Cytogenetic location: 2p24.1.
Variant type: single nucleotide variant.
Coding change: c.5459A>C on transcript NM_000384.3 (MANE Select); coding-DNA position 5459, A replaced by C.
Protein change: p.Lys1820Thr; replaces lysine 1820 with threonine.
Molecular consequence: missense variant.
Genome position (GRCh38, 1-based): chr2:21,011,409, T>G on the plus strand (A>C on the coding strand, the complement: APOB is on the minus strand). VCF-style: chr2-21011409-T-G. GRCh37 (hg19) VCF-style: chr2-21234281-T-G.
Other names: short protein forms K1820T.
Identifiers: ClinVar variation 423728 (VCV000423728.9), dbSNP rs180874451, ClinGen allele CA062136.